The following is an entry in ClinVar:

ClinVar aggregate classification (germline): Uncertain significance (1 of 4 stars; one submission).

Submissions (2):

Labcorp Genetics (formerly Invitae), Labcorp
Classification: Uncertain significance. Last evaluated: 2024-09-11. Review status: criteria provided, single submitter. Criteria: Invitae Variant Classification Sherloc (09022015). Collection method: clinical testing. Allele origin: germline.
Comment: This sequence change replaces alanine, which is neutral and non-polar, with serine, which is neutral and polar, at codon 63 of the PHEX protein (p.Ala63Ser). This variant also falls at the last nucleotide of exon 2, which is part of the consensus splice site for this exon. This variant is not present in population databases (gnomAD no frequency). This variant has not been reported in the literature in individuals affected with PHEX-related conditions. An algorithm developed to predict the effect of missense changes on protein structure and function (PolyPhen-2) suggests that this variant is likely to be disruptive. Variants that disrupt the consensus splice site are a relatively common cause of aberrant splicing (PMID: 17576681, 9536098). Algorithms developed to predict the effect of sequence changes on RNA splicing suggest that this variant may disrupt the consensus splice site. In summary, the available evidence is currently insufficient to determine the role of this variant in disease. Therefore, it has been classified as a Variant of Uncertain Significance.

Dr. Peter K. Rogan Lab, Western University
No classification provided (evidence only). Condition: Thyroid cancer, nonmedullary, 1. Review status: no classification provided. Collection method: in vitro. Allele origin: not applicable. Functional consequence: retained intron. Not counted in ClinVar's aggregate classification.

Literature cited by the submitters: PubMed 17576681 (cited by Labcorp Genetics (formerly Invitae), Labcorp); PubMed 9536098 (cited by Labcorp Genetics (formerly Invitae), Labcorp).

NM_000444.6(PHEX):c.187G>T (p.Ala63Ser)

Gene: PHEX (phosphate regulating endopeptidase X-linked; plus strand). Cytogenetic location: Xp22.11.
Variant type: single nucleotide variant.
Coding change: c.187G>T on transcript NM_000444.6 (MANE Select); coding-DNA position 187, G replaced by T.
Protein change: p.Ala63Ser; replaces alanine 63 with serine.
Molecular consequence: missense variant.
Genome position (GRCh38, 1-based): chrX:22,038,537, G>T. VCF-style: chrX-22038537-G-T. GRCh37 (hg19) VCF-style: chrX-22056655-G-T.
Other names: c.187G>T, p.Ala63Ser (NM_001282754.2); short protein forms A63S.
Identifiers: ClinVar variation 3638895 (VCV003638895.3).